The following is an entry in ClinVar:

NM_007315.4(STAT1):c.246C>A (p.Asn82Lys)

Gene: STAT1 (signal transducer and activator of transcription 1; minus strand). Cytogenetic location: 2q32.2.
Variant type: single nucleotide variant.
Coding change: c.246C>A on transcript NM_007315.4 (MANE Select); coding-DNA position 246, C replaced by A.
Protein change: p.Asn82Lys; replaces asparagine 82 with lysine.
Molecular consequence: missense variant.
Genome position (GRCh38, 1-based): chr2:191,008,990, G>T on the plus strand (C>A on the coding strand, the complement: STAT1 is on the minus strand). VCF-style: chr2-191008990-G-T. GRCh37 (hg19) VCF-style: chr2-191873716-G-T.
Other names: c.246C>A, p.Asn82Lys (NM_001384880.1, NM_001384882.1, NM_001384883.1 and 7 more transcripts); c.252C>A, p.Asn84Lys (NM_001384881.1, NM_001384884.1); c.282C>A, p.Asn94Lys (NM_001384891.1); short protein forms N82K, N84K, N94K.
Identifiers: ClinVar variation 842864 (VCV000842864.9), dbSNP rs1694920831, ClinGen allele CA349927885.

ClinVar aggregate classification (germline): Uncertain significance (1 of 4 stars; one submission).

Conditions:
Immunodeficiency 31B. Also called: IMMUNODEFICIENCY 31B, MYCOBACTERIAL AND VIRAL INFECTIONS, AUTOSOMAL RECESSIVE; STAT1 DEFICIENCY, AUTOSOMAL RECESSIVE. Identifiers: Orphanet 391311, MedGen C3151088, MONDO:0013427, OMIM 613796.
Autoimmune enteropathy and endocrinopathy - susceptibility to chronic infections syndrome. Also called: Immunodeficiency 31C, autosomal dominant; Immunodeficiency 31C. Identifiers: Orphanet 391487, MedGen C3279990, MONDO:0013599, OMIM 614162.
Mendelian susceptibility to mycobacterial diseases due to partial STAT1 deficiency. Also called: IMMUNODEFICIENCY 31A, MYCOBACTERIOSIS, AUTOSOMAL DOMINANT; STAT1 DEFICIENCY, AUTOSOMAL DOMINANT; Immunodeficiency 31a. Identifiers: Orphanet 319595, MedGen C4013950, MONDO:0013956, OMIM 614892.

Submission:

Labcorp Genetics (formerly Invitae), Labcorp
Classification: Uncertain significance for Mendelian susceptibility to mycobacterial diseases due to partial STAT1 deficiency; Immunodeficiency 31B; Autoimmune enteropathy and endocrinopathy - susceptibility to chronic infections syndrome. Last evaluated: 2022-02-03. Review status: criteria provided, single submitter. Criteria: Invitae Variant Classification Sherloc (09022015). Collection method: clinical testing. Allele origin: germline.
Comment: In summary, the available evidence is currently insufficient to determine the role of this variant in disease. Therefore, it has been classified as a Variant of Uncertain Significance. Algorithms developed to predict the effect of missense changes on protein structure and function are either unavailable or do not agree on the potential impact of this missense change (SIFT: "Deleterious"; PolyPhen-2: "Probably Damaging"; Align-GVGD: "Class C0"). ClinVar contains an entry for this variant (Variation ID: 842864). This variant has not been reported in the literature in individuals affected with STAT1-related conditions. This variant is not present in population databases (gnomAD no frequency). This sequence change replaces asparagine, which is neutral and polar, with lysine, which is basic and polar, at codon 82 of the STAT1 protein (p.Asn82Lys).